The following is an entry in ClinVar:

ClinVar aggregate classification (germline): Conflicting classifications of pathogenicity. Review status: criteria provided, conflicting classifications (1 of 4 stars). 3 submissions from 3 submitters: Uncertain significance (2); Likely benign (1). Last evaluated 2025-12-31.

Conditions:
COL11A2-related disorder. Also called: COL11A2-related condition; COL11A2-related disorders.

Allele frequency attached by ClinVar (database versions not stated): TOPMed 0.00002; gnomAD 0.00003 and 0.00002; ESP Exome Variant Server 0.00012.
gnomAD v4.1: 12 of 1,613,424 alleles (0.00074%); highest among the groups gnomAD compares: East Asian, 0.0045%; no homozygotes.

Submissions (3):

Labcorp Genetics (formerly Invitae), Labcorp
Classification: Likely benign. Last evaluated: 2025-12-31. Review status: criteria provided, single submitter. Criteria: Invitae Variant Classification Sherloc (09022015). Collection method: clinical testing. Allele origin: germline.

PreventionGenetics, part of Exact Sciences
Classification: Uncertain significance for COL11A2-related condition. Last evaluated: 2025-01-19. Review status: criteria provided, single submitter. Criteria: ACMG Guidelines, 2015. Collection method: clinical testing. Allele origin: germline.
Comment: The COL11A2 c.3959G>A variant is predicted to result in the amino acid substitution p.Arg1320Gln. To our knowledge, this variant has not been reported in the literature. This variant is present in 0.020% of alleles in individuals of East Asian descent in gnomAD. At this time, the clinical significance of this variant is uncertain due to the absence of conclusive functional and genetic evidence.

Laboratory for Molecular Medicine, Mass General Brigham Personalized Medicine
Classification: Uncertain significance. Last evaluated: 2020-01-22. Review status: criteria provided, single submitter. Criteria: LMM Criteria. Collection method: clinical testing. Allele origin: germline. Observed: 1 variant allele.
Comment: The p.Arg1320Gln variant in COL11A2 has not been previously reported in individuals with COL11A2-related disorders, but has been identified in 0.02% (4/19880) of East Asian chromosomes by gnomAD. Computational prediction tools and conservation analysis suggest that this variant may impact the protein, though this information is not predictive enough to determine pathogenicity. In summary, the clinical significance of this variant is uncertain. ACMG/AMP Criteria applied: PP3.

NM_080680.3(COL11A2):c.3959G>A (p.Arg1320Gln)

Gene: COL11A2 (collagen type XI alpha 2 chain; minus strand). Cytogenetic location: 6p21.32.
Variant type: single nucleotide variant.
Coding change: c.3959G>A on transcript NM_080680.3 (MANE Select); coding-DNA position 3959, G replaced by A.
Protein change: p.Arg1320Gln; replaces arginine 1320 with glutamine.
Molecular consequence: missense variant.
Genome position (GRCh38, 1-based): chr6:33,168,520, C>T on the plus strand (G>A on the coding strand, the complement: COL11A2 is on the minus strand). VCF-style: chr6-33168520-C-T. GRCh37 (hg19) VCF-style: chr6-33136297-C-T.
Other names: c.3638G>A, p.Arg1213Gln (NM_080679.3); c.3701G>A, p.Arg1234Gln (NM_080681.3); c.3959G>A (NM_080680.2); short protein forms R1213Q, R1234Q, R1320Q.
Identifiers: ClinVar variation 930142 (VCV000930142.10), dbSNP rs372143434, ClinGen allele CA3750299.